The following is an entry in ClinVar:

NM_138927.4(SON):c.5224A>G (p.Met1742Val)

Gene: SON (SON DNA and RNA binding protein; plus strand). Cytogenetic location: 21q22.11.
Variant type: single nucleotide variant.
Coding change: c.5224A>G on transcript NM_138927.4 (MANE Select); coding-DNA position 5224, A replaced by G.
Protein change: p.Met1742Val; replaces methionine 1742 with valine.
Molecular consequence: missense variant. On other transcripts: non-coding transcript variant (1), intron variant (1).
Genome position (GRCh38, 1-based): chr21:33,554,455, A>G. VCF-style: chr21-33554455-A-G. GRCh37 (hg19) VCF-style: chr21-34926761-A-G.
Other names: c.5224A>G, p.Met1742Val (NM_001291411.2, NM_001412133.1, NM_032195.3 and 2 more transcripts); c.245-2701A>G (NM_001291412.3); short protein forms M1742V.
Identifiers: ClinVar variation 2135987 (VCV002135987.1), dbSNP rs753495023, ClinGen allele CA10009685.

ClinVar aggregate classification (germline): Uncertain significance (1 of 4 stars; one submission).

Allele frequency attached by ClinVar (database versions not stated): ExAC 0.00001; gnomAD exomes 0.00001.

Submission:

GeneDx
Classification: Uncertain significance. Last evaluated: 2022-07-14. Review status: criteria provided, single submitter. Criteria: GeneDx Variant Classification Process June 2021. Collection method: clinical testing. Allele origin: germline. Affected: yes.
Comment: Not observed at significant frequency in large population cohorts (gnomAD); In silico analysis supports that this missense variant does not alter protein structure/function; Has not been previously published as pathogenic or benign to our knowledge